The following is an entry in ClinVar:

NM_181705.4(LYRM7):c.5G>C (p.Gly2Ala)

Gene: LYRM7 (LYR motif containing 7; plus strand). Cytogenetic location: 5q23.3.
Variant type: single nucleotide variant.
Coding change: c.5G>C on transcript NM_181705.4 (MANE Select); coding-DNA position 5, G replaced by C.
Protein change: p.Gly2Ala; replaces glycine 2 with alanine.
Molecular consequence: missense variant. On other transcripts: non-coding transcript variant (1).
Genome position (GRCh38, 1-based): chr5:131,171,025, G>C. VCF-style: chr5-131171025-G-C. GRCh37 (hg19) VCF-style: chr5-130506718-G-C.
Other names: c.5G>C, p.Gly2Ala (NM_001293735.2); short protein forms G2A.
Identifiers: ClinVar variation 3377852 (VCV003377852.1).
Genomic context (GRCh38, chr5:131,171,025, plus strand): 5'-CTGAGAGGCGGGGCTACTCGACTGCTCTGGAGGTAGCGGCCGCGGTGAGGAGAGCCATGG[G>C]ACGGGCAGTCAAGGTGACAGGGCCCGGGAAGGGGTGGGTACGATGCCGTCGGGGAGGGTA-3'
Protein context (NP_859056.2, residues 1-12): M[Gly2Ala]RAVKVLQLFK

ClinVar aggregate classification (germline): Uncertain significance (1 of 4 stars; one submission).

gnomAD v4.1: 1 of 1,540,504 alleles (0.000065%); highest among the groups gnomAD compares: Non-Finnish European, 0.000087%; no homozygotes.

Submission:

GeneDx
Classification: Uncertain significance. Last evaluated: 2024-05-17. Review status: criteria provided, single submitter. Criteria: GeneDx Variant Classification Process June 2021. Collection method: clinical testing. Allele origin: germline. Affected: yes.
Comment: Not observed at significant frequency in large population cohorts (gnomAD); In silico analysis indicates that this missense variant does not alter protein structure/function; Has not been previously published as pathogenic or benign to our knowledge